The following is an entry in ClinVar:

ClinVar aggregate classification (germline): Uncertain significance (1 of 4 stars; one submission).

Conditions:
Early-infantile DEE. Also called: Ohtahara syndrome; Early infantile epileptic encephalopathy; Early infantile epileptic encephalopathy with suppression bursts. Identifiers: Orphanet 1934, MedGen C0393706, MONDO:0800491.

gnomAD v4.1: 3 of 1,613,870 alleles (0.00019%); highest among the groups gnomAD compares: African/African-American, 0.004%; no homozygotes.

Submission:

Labcorp Genetics (formerly Invitae), Labcorp
Classification: Uncertain significance for Early-infantile DEE. Last evaluated: 2023-09-06. Review status: criteria provided, single submitter. Criteria: Invitae Variant Classification Sherloc (09022015). Collection method: clinical testing. Allele origin: germline.
Comment: This sequence change replaces arginine, which is basic and polar, with leucine, which is neutral and non-polar, at codon 1026 of the SCN8A protein (p.Arg1026Leu). This variant is present in population databases (rs780010793, gnomAD 0.01%). This variant has not been reported in the literature in individuals affected with SCN8A-related conditions. ClinVar contains an entry for this variant (Variation ID: 1928589). Advanced modeling of protein sequence and biophysical properties (such as structural, functional, and spatial information, amino acid conservation, physicochemical variation, residue mobility, and thermodynamic stability) performed at Invitae indicates that this missense variant is not expected to disrupt SCN8A protein function. In summary, the available evidence is currently insufficient to determine the role of this variant in disease. Therefore, it has been classified as a Variant of Uncertain Significance.

NM_001330260.2(SCN8A):c.3077G>T (p.Arg1026Leu)

Gene: SCN8A (sodium voltage-gated channel alpha subunit 8; plus strand). Cytogenetic location: 12q13.13.
Variant type: single nucleotide variant.
Coding change: c.3077G>T on transcript NM_001330260.2 (MANE Select); coding-DNA position 3077, G replaced by T.
Protein change: p.Arg1026Leu; replaces arginine 1026 with leucine.
Molecular consequence: missense variant.
Genome position (GRCh38, 1-based): chr12:51,769,040, G>T. VCF-style: chr12-51769040-G-T. GRCh37 (hg19) VCF-style: chr12-52162824-G-T.
Other names: c.3077G>T, p.Arg1026Leu (NM_001177984.3, NM_001369788.1, NM_014191.4); short protein forms R1026L.
Identifiers: ClinVar variation 1928589 (VCV001928589.5), dbSNP rs780010793, ClinGen allele CA6571542.